The following is an entry in ClinVar:

NM_018100.4(EFHC1):c.1343T>C (p.Met448Thr)

Gene: EFHC1 (EF-hand domain containing 1; plus strand). Cytogenetic location: 6p12.2.
Variant type: single nucleotide variant.
Coding change: c.1343T>C on transcript NM_018100.4 (MANE Select); coding-DNA position 1343, T replaced by C.
Protein change: p.Met448Thr; replaces methionine 448 with threonine.
Molecular consequence: missense variant. On other transcripts: non-coding transcript variant (1).
Genome position (GRCh38, 1-based): chr6:52,479,101, T>C. VCF-style: chr6-52479101-T-C. GRCh37 (hg19) VCF-style: chr6-52343899-T-C.
Other names: c.1286T>C, p.Met429Thr (NM_001172420.2); short protein forms M448T, M429T.
Identifiers: ClinVar variation 128962 (VCV000128962.26), dbSNP rs1266787, ClinGen allele CA152687.

ClinVar aggregate classification (germline): Benign/Likely benign. Review status: criteria provided, multiple submitters, no conflicts (2 of 4 stars). 7 submissions from 7 submitters: Benign (5); Likely benign (1). 1 of the submissions does not count toward it. Last evaluated 2025-12-01.

Conditions:
Absence seizure. Also called: Absence epilepsy. Identifiers: Orphanet 1941, MedGen C0014553.
Myoclonic epilepsy, juvenile, susceptibility to, 1. Also called: Myoclonic Epilepsy, Juvenile, 1; EJM1. Identifiers: MedGen C1850778, MONDO:0020752, OMIM 254770.

Allele frequency attached by ClinVar (database versions not stated): gnomAD exomes 0.03358 and 0.03549; ExAC 0.03895; 1000 Genomes Project 0.07228; gnomAD 0.07526 and 0.07947; 1000 Genomes Project 30x 0.07605; TOPMed 0.08199; ESP Exome Variant Server 0.08611.
gnomAD v4.1: 60,880 of 1,614,020 alleles (3.8%); highest among the groups gnomAD compares: African/African-American, 20%; 2,319 homozygotes.

Submissions (7):

Labcorp Genetics (formerly Invitae), Labcorp
Classification: Benign for Myoclonic epilepsy, juvenile, susceptibility to, 1; Absence seizure. Last evaluated: 2025-12-01. Review status: criteria provided, single submitter. Criteria: Invitae Variant Classification Sherloc (09022015). Collection method: clinical testing. Allele origin: germline.

Athena Diagnostics
Classification: Benign. Last evaluated: 2025-06-09. Review status: criteria provided, single submitter. Criteria: Athena Diagnostics Criteria. Collection method: clinical testing. Allele origin: unknown.
Comment: The frequency of this variant in the general population is higher than would generally be expected for pathogenic variants in this gene.

Eurofins Ntd Llc (ga)
Classification: Benign. Last evaluated: 2016-03-08. Review status: criteria provided, single submitter. Criteria: EGL Classification Definitions 2015. Collection method: clinical testing. Allele origin: germline. Observed: 1 variant allele, 1 heterozygote.

GeneDx
Classification: Benign. Last evaluated: 2015-03-03. Review status: criteria provided, single submitter. Criteria: GeneDx Variant Classification Process June 2021. Collection method: clinical testing. Allele origin: germline. Affected: yes.

Breakthrough Genomics
Classification: Likely benign. Review status: criteria provided, single submitter. Criteria: ACMG Guidelines, 2015. Collection method: not provided. Allele origin: germline. Inheritance: Autosomal dominant inheritance. Affected: yes.

PreventionGenetics, part of Exact Sciences
Classification: Benign. Review status: criteria provided, single submitter. Criteria: ACMG Guidelines, 2015. Collection method: clinical testing. Allele origin: germline.

Genetic Services Laboratory, University of Chicago
Classification: Likely benign for AllHighlyPenetrant. Review status: no assertion criteria provided. Collection method: clinical testing. Allele origin: germline. Not counted in ClinVar's aggregate classification.
Comment: Likely benign based on allele frequency in 1000 Genomes Project or ESP global frequency and its presence in a patient with a rare or unrelated disease phenotype. NOT Sanger confirmed.

Literature cited by the submitters: PubMed 27467453 (cited by Athena Diagnostics); PubMed 25489633 (cited by Athena Diagnostics); PubMed 33181902 (cited by Athena Diagnostics); PubMed 17054699 (cited by Athena Diagnostics); PubMed 18823326 (cited by Athena Diagnostics); PubMed 16839746 (cited by Athena Diagnostics).